The following is an entry in ClinVar:

ClinVar aggregate classification (germline): Benign/Likely benign. Review status: criteria provided, multiple submitters, no conflicts (2 of 4 stars). 4 submissions from 4 submitters: Benign (1); Likely benign (3). Last evaluated 2025-12-16.

Conditions:
3-hydroxyisobutyryl-CoA hydrolase deficiency. Also called: VALINE METABOLIC DEFECT; Reduced circulating 3-hydroxyisobutyryl-CoA hydrolase activity; Deficiency of 3-hydroxyisobutyryl CoA hydrolase; HIBCH DEFICIENCY; METHACRYLIC ACID TOXICITY; METHACRYLIC ACIDURIA. Identifiers: Orphanet 88639, MedGen C0342738, MONDO:0009603, OMIM 250620, HP:6000215.

Allele frequency attached by ClinVar (database versions not stated): gnomAD 0.00028 and 0.00039; gnomAD exomes 0.00037 and 0.00106; TOPMed 0.00041; ExAC 0.00100; 1000 Genomes Project 30x 0.00156; 1000 Genomes Project 0.00200.
gnomAD v4.1: 650 of 1,609,964 alleles (0.04%); highest among the groups gnomAD compares: East Asian, 1.2%; 3 homozygotes.

Submissions (4):

Labcorp Genetics (formerly Invitae), Labcorp
Classification: Benign for 3-hydroxyisobutyryl-CoA hydrolase deficiency. Last evaluated: 2025-12-16. Review status: criteria provided, single submitter. Criteria: Invitae Variant Classification Sherloc (09022015). Collection method: clinical testing. Allele origin: germline.

Blueprint Genetics
Classification: Likely benign. Last evaluated: 2024-08-19. Review status: criteria provided, single submitter. Criteria: ACMG Guidelines, 2015. Collection method: clinical testing. Allele origin: germline.

Fulgent Genetics
Classification: Likely benign for 3-hydroxyisobutyryl-CoA hydrolase deficiency. Last evaluated: 2022-02-25. Review status: criteria provided, single submitter. Criteria: ACMG Guidelines, 2015. Collection method: clinical testing. Allele origin: unknown.

GeneDx
Classification: Likely benign. Last evaluated: 2018-03-01. Review status: criteria provided, single submitter. Criteria: GeneDx Variant Classification (06012015). Collection method: clinical testing. Allele origin: germline. Affected: yes.
Comment: This variant is considered likely benign or benign based on one or more of the following criteria: it is a conservative change, it occurs at a poorly conserved position in the protein, it is predicted to be benign by multiple in silico algorithms, and/or has population frequency not consistent with disease.

NM_014362.4(HIBCH):c.957A>G (p.Ser319=)

Gene: HIBCH (3-hydroxyisobutyryl-CoA hydrolase; minus strand). Cytogenetic location: 2q32.2.
Variant type: single nucleotide variant.
Coding change: c.957A>G on transcript NM_014362.4 (MANE Select); coding-DNA position 957, A replaced by G.
Protein change: p.Ser319=; no amino-acid change (serine 319 retained).
Molecular consequence: synonymous variant.
Genome position (GRCh38, 1-based): chr2:190,213,010, T>C on the plus strand (A>G on the coding strand, the complement: HIBCH is on the minus strand). VCF-style: chr2-190213010-T-C. GRCh37 (hg19) VCF-style: chr2-191077736-T-C.
Other names: c.957A>G, p.Ser319= (NM_198047.3).
Identifiers: ClinVar variation 515763 (VCV000515763.13), dbSNP rs3213841, ClinGen allele CA2027422.
Genomic context (GRCh38, chr2:190,213,010, plus strand): 5'-TCTTACCATACAAGCTTGACTTAGCCGATACTCCATAGTTAGTACTTCTTGCAAGGTCTT[T>C]GAAGACCCCTCCATGAGTTGCCTTAGTGTGATCTTTAGAGATGTTGGAGACATTTTATTA-3'
Protein context (NP_055177.2, residues 309-329): ITLRQLMEGS[Ser319=]KTLQEVLTME